The following is an entry in ClinVar:

ClinVar aggregate classification (germline): Uncertain significance (1 of 4 stars; one submission).

Conditions:
Inborn genetic diseases. Identifiers: MedGen C0950123, MeSH D030342.

gnomAD v4.1: 3 of 1,613,976 alleles (0.00019%); highest among the groups gnomAD compares: Non-Finnish European, 0.00017%; no homozygotes.

Submission:

Ambry Genetics
Classification: Uncertain significance for Inborn genetic diseases. Last evaluated: 2025-12-07. Review status: criteria provided, single submitter. Criteria: Ambry Variant Classification Scheme 2023. Collection method: clinical testing. Allele origin: germline.
Comment: The p.G1483D variant (also known as c.4448G>A), located in coding exon 1 of the SAMD9L gene, results from a G to A substitution at nucleotide position 4448. The glycine at codon 1483 is replaced by aspartic acid, an amino acid with similar properties. This amino acid position is conserved. In addition, this alteration is predicted to be tolerated by in silico analysis. Based on the available evidence, the clinical significance of this variant remains unclear.

NM_152703.5(SAMD9L):c.4448G>A (p.Gly1483Asp)

Gene: SAMD9L (sterile alpha motif domain containing 9 like; minus strand). Cytogenetic location: 7q21.2.
Variant type: single nucleotide variant.
Coding change: c.4448G>A on transcript NM_152703.5 (MANE Select); coding-DNA position 4448, G replaced by A.
Protein change: p.Gly1483Asp; replaces glycine 1483 with aspartic acid.
Molecular consequence: missense variant.
Genome position (GRCh38, 1-based): chr7:93,131,524, C>T on the plus strand (G>A on the coding strand, the complement: SAMD9L is on the minus strand). VCF-style: chr7-93131524-C-T. GRCh37 (hg19) VCF-style: chr7-92760837-C-T.
Other names: c.4448G>A, p.Gly1483Asp (NM_001303496.3, NM_001303497.3, NM_001303498.3 and 5 more transcripts); short protein forms G1483D.
Identifiers: ClinVar variation 4630160 (VCV004630160.1).
Genomic context (GRCh38, chr7:93,131,524, plus strand): 5'-GTATTTTGTGCTTTATCAAAGTACTGCTCTATTTTGGCCTTGTGAACAATACTGTTTAGA[C>T]CCTTCCTTTTGCCCAGATAGAAAAGTGTGCTTGCCTGCTTGGACCTGCACATGCGCTTGT-3'
Protein context (NP_689916.2, residues 1473-1493): STLFYLGKRK[Gly1483Asp]LNSIVHKAKI